The following is an entry in ClinVar:

ClinVar aggregate classification (germline): Uncertain significance (1 of 4 stars; one submission).

Allele frequency attached by ClinVar (database versions not stated): gnomAD 0.00002; TOPMed 0.00002; gnomAD exomes 0.00005 and 0.00010; ESP Exome Variant Server 0.00008; ExAC 0.00009.
gnomAD v4.1: 68 of 1,610,032 alleles (0.0042%); highest among the groups gnomAD compares: Non-Finnish European, 0.0056%; no homozygotes.

Submission:

Labcorp Genetics (formerly Invitae), Labcorp
Classification: Uncertain significance. Last evaluated: 2024-10-21. Review status: criteria provided, single submitter. Criteria: Invitae Variant Classification Sherloc (09022015). Collection method: clinical testing. Allele origin: germline.
Comment: This sequence change replaces methionine, which is neutral and non-polar, with threonine, which is neutral and polar, at codon 436 of the PMPCA protein (p.Met436Thr). This variant is present in population databases (rs201569001, gnomAD 0.02%). This variant has not been reported in the literature in individuals affected with PMPCA-related conditions. ClinVar contains an entry for this variant (Variation ID: 1465029). Invitae Evidence Modeling of protein sequence and biophysical properties (such as structural, functional, and spatial information, amino acid conservation, physicochemical variation, residue mobility, and thermodynamic stability) indicates that this missense variant is expected to disrupt PMPCA protein function with a positive predictive value of 80%. In summary, the available evidence is currently insufficient to determine the role of this variant in disease. Therefore, it has been classified as a Variant of Uncertain Significance.

NM_015160.3(PMPCA):c.1307T>C (p.Met436Thr)

Gene: PMPCA (peptidase, mitochondrial processing subunit alpha; plus strand). Cytogenetic location: 9q34.3.
Variant type: single nucleotide variant.
Coding change: c.1307T>C on transcript NM_015160.3 (MANE Select); coding-DNA position 1307, T replaced by C.
Protein change: p.Met436Thr; replaces methionine 436 with threonine.
Molecular consequence: missense variant.
Genome position (GRCh38, 1-based): chr9:136,421,875, T>C. VCF-style: chr9-136421875-T-C. GRCh37 (hg19) VCF-style: chr9-139316327-T-C.
Other names: c.914T>C, p.Met305Thr (NM_001282944.2); c.1007T>C, p.Met336Thr (NM_001282946.2); short protein forms M336T, M436T, M305T.
Identifiers: ClinVar variation 1465029 (VCV001465029.7), dbSNP rs201569001, ClinGen allele CA5336448.